The following is an entry in ClinVar:

NM_005245.4(FAT1):c.9448A>G (p.Thr3150Ala)

Gene: FAT1 (FAT atypical cadherin 1; minus strand). Cytogenetic location: 4q35.2.
Variant type: single nucleotide variant.
Coding change: c.9448A>G on transcript NM_005245.4 (MANE Select); coding-DNA position 9448, A replaced by G.
Protein change: p.Thr3150Ala; replaces threonine 3150 with alanine.
Molecular consequence: missense variant.
Genome position (GRCh38, 1-based): chr4:186,613,124, T>C on the plus strand (A>G on the coding strand, the complement: FAT1 is on the minus strand). VCF-style: chr4-186613124-T-C. GRCh37 (hg19) VCF-style: chr4-187534278-T-C.
Other names: short protein forms T3150A.
Identifiers: ClinVar variation 2178908 (VCV002178908.28), dbSNP rs200029462, ClinGen allele CA3165628.
Genomic context (GRCh38, chr4:186,613,124, plus strand): 5'-GGATCTCAGTGAGCAGCGTCAGGCAAGAGCATTCCCGGGAGATACCTGCGTCGGCATCTG[T>C]GGCCTGCACTCTTGTCAGCAGCGTTCCCGGCTCTGTGTTTTCAAACACGGTGATGGCATA-3'
Protein context (NP_005236.2, residues 3140-3160): PGTLLTRVQA[Thr3150Ala]DADAGLNRKI

ClinVar aggregate classification (germline): Benign/Likely benign. Review status: criteria provided, multiple submitters, no conflicts (2 of 4 stars). 2 submissions from 2 submitters: Benign (1); Likely benign (1). Last evaluated 2025-11-01.

Allele frequency attached by ClinVar (database versions not stated): TOPMed 0.00004; ESP Exome Variant Server 0.00008; gnomAD 0.00009; gnomAD exomes 0.00017; ExAC 0.00032; 1000 Genomes Project 30x 0.00094; 1000 Genomes Project 0.00100.
gnomAD v4.1: 262 of 1,610,982 alleles (0.016%); highest among the groups gnomAD compares: South Asian, 0.22%; 4 homozygotes.

Submissions (2):

CeGaT Center for Human Genetics Tuebingen
Classification: Likely benign. Last evaluated: 2025-11-01. Review status: criteria provided, single submitter. Criteria: CeGaT Center For Human Genetics Tuebingen Variant Classification Criteria Version 2. Collection method: clinical testing. Allele origin: germline. Affected: yes. Observed: 2 variant alleles.
Comment: FAT1: BP4

Labcorp Genetics (formerly Invitae), Labcorp
Classification: Benign. Last evaluated: 2024-10-16. Review status: criteria provided, single submitter. Criteria: Invitae Variant Classification Sherloc (09022015). Collection method: clinical testing. Allele origin: germline.